The following is an entry in ClinVar:

ClinVar aggregate classification (germline): Uncertain significance (1 of 4 stars; one submission).

Conditions:
GNAS-related disorder. Identifiers: MedGen CN380105.

gnomAD v4.1: 2 of 1,613,128 alleles (0.00012%); highest among the groups gnomAD compares: South Asian, 0.0011%; no homozygotes.

Submission:

PreventionGenetics, part of Exact Sciences
Classification: Uncertain significance for GNAS-related condition. Last evaluated: 2025-11-07. Review status: criteria provided, single submitter. Criteria: ACMG Guidelines, 2015. Collection method: clinical testing. Allele origin: germline.
Comment: The GNAS c.-12924C>A variant is located in the 5' untranslated region. This variant is also pre-coding in the primary transcript (NM_000516:c.-51385C>A), however, this variant is coding in an alternate transcript (NM_016592:c.236C>A, p.Ser79Tyr). To our knowledge, this variant has not been reported in the literature or in a large population database (gnomAD), indicating this variant is rare. At this time, the clinical significance of this variant is uncertain due to the absence of conclusive functional and genetic evidence.

NM_016592.5(GNAS):c.236C>A (p.Ser79Tyr)

Genes: GNAS (GNAS complex locus; plus strand), GNAS-AS1 (GNAS antisense RNA 1; minus strand). Cytogenetic location: 20q13.32.
Variant type: single nucleotide variant.
Coding change: c.236C>A on transcript NM_016592.5 (MANE Plus Clinical); coding-DNA position 236, C replaced by A.
Protein change: p.Ser79Tyr; replaces serine 79 with tyrosine.
Molecular consequence: missense variant. On other transcripts: 5 prime UTR variant (1).
Genome position (GRCh38, 1-based): chr20:58,840,342, C>A. VCF-style: chr20-58840342-C-A. GRCh37 (hg19) VCF-style: chr20-57415397-C-A.
Other names: c.-502C>A (NM_001410912.1); short protein forms S79Y.
Identifiers: ClinVar variation 4982851 (VCV004982851.1).